The following is an entry in ClinVar:

ClinVar aggregate classification (germline): Uncertain significance. Review status: criteria provided, multiple submitters, no conflicts (2 of 4 stars). 3 submissions from 3 submitters: Uncertain significance (2). 1 of the submissions does not count toward it. Last evaluated 2021-11-04.

Conditions:
NPHP3-related disorder. Also called: NPHP3-related disorders; NPHP3-related condition. Identifiers: MedGen CN379163.
NPHP3-related Meckel-like syndrome. Also called: Meckel syndrome type 7; GOLDSTON SYNDROME. Identifiers: Orphanet 3032, MedGen C2673885, MONDO:0009966, OMIM 267010.
Nephronophthisis 3 (NPHP3). Also called: Adolescent nephronophthisis. Identifiers: Orphanet 655, MedGen C1858392, MONDO:0011456, OMIM 604387.
Renal-hepatic-pancreatic dysplasia 1 (RHPD1). Identifiers: MedGen C3715199, MONDO:0008833, OMIM 208540.
Nephronophthisis. Also called: Juvenile Nephronophthisis. Identifiers: Orphanet 655, MedGen C0687120, MONDO:0019005, HP:0000090.

Allele frequency attached by ClinVar (database versions not stated): ExAC 0.00002; gnomAD 0.00002; gnomAD exomes 0.00002; TOPMed 0.00002; ESP Exome Variant Server 0.00008.
gnomAD v4.1: 34 of 1,613,844 alleles (0.0021%); highest among the groups gnomAD compares: Non-Finnish European, 0.0029%; no homozygotes.

Submissions (3):

Fulgent Genetics
Classification: Uncertain significance for Renal-hepatic-pancreatic dysplasia 1; NPHP3-related Meckel-like syndrome; Nephronophthisis 3. Last evaluated: 2021-11-04. Review status: criteria provided, single submitter. Criteria: ACMG Guidelines, 2015. Collection method: clinical testing. Allele origin: unknown.

Labcorp Genetics (formerly Invitae), Labcorp
Classification: Uncertain significance for Nephronophthisis. Last evaluated: 2021-08-26. Review status: criteria provided, single submitter. Criteria: Invitae Variant Classification Sherloc (09022015). Collection method: clinical testing. Allele origin: germline.
Comment: This sequence change replaces proline with serine at codon 1303 of the NPHP3 protein (p.Pro1303Ser). The proline residue is moderately conserved and there is a moderate physicochemical difference between proline and serine. This variant is present in population databases (rs373728120, ExAC 0.004%). This variant has not been reported in the literature in individuals affected with NPHP3-related conditions. Algorithms developed to predict the effect of missense changes on protein structure and function (SIFT, PolyPhen-2, Align-GVGD) all suggest that this variant is likely to be tolerated. In summary, the available evidence is currently insufficient to determine the role of this variant in disease. Therefore, it has been classified as a Variant of Uncertain Significance.

PreventionGenetics, part of Exact Sciences
Classification: Uncertain significance for NPHP3-related condition. Last evaluated: 2024-05-24. Review status: no assertion criteria provided. Collection method: clinical testing. Allele origin: germline. Not counted in ClinVar's aggregate classification.
Comment: The NPHP3 c.3907C>T variant is predicted to result in the amino acid substitution p.Pro1303Ser. This variant has not been reported in the literature in individuals with NPHP3-related disorders. This variant is reported in 0.0039% of alleles in individuals of European (non-Finnish) descent in gnomAD. At this time, the clinical significance of this variant is uncertain due to the absence of conclusive functional and genetic evidence.

NM_153240.5(NPHP3):c.3907C>T (p.Pro1303Ser)

Genes: NPHP3-ACAD11 (NPHP3-ACAD11 readthrough (NMD candidate); minus strand), NPHP3 (nephrocystin 3; minus strand). Cytogenetic location: 3q22.1.
Variant type: single nucleotide variant.
Coding change: c.3907C>T on transcript NM_153240.5 (MANE Select); coding-DNA position 3907, C replaced by T.
Protein change: p.Pro1303Ser; replaces proline 1303 with serine.
Molecular consequence: missense variant. On other transcripts: non-coding transcript variant (1).
Genome position (GRCh38, 1-based): chr3:132,681,996, G>A on the plus strand (C>T on the coding strand, the complement: NPHP3 is on the minus strand). VCF-style: chr3-132681996-G-A. GRCh37 (hg19) VCF-style: chr3-132400840-G-A.
Other names: short protein forms P1303S.
Identifiers: ClinVar variation 951359 (VCV000951359.9), dbSNP rs373728120, ClinGen allele CA2621603.
Genomic context (GRCh38, chr3:132,681,996, plus strand): 5'-CATTAGGAGAATGAGCTGTTTTTAAGCTAAACGTGTCTCCACTTGATGAATGGCGTGAAG[G>A]AGCTTTTCCACCCAAGAGTGATGTTTCTGCTTCTTTTATTTCCATTGCCCTTTTGTATAA-3'
Protein context (NP_694972.3, residues 1293-1313): AETSLLGGKA[Pro1303Ser]SRHSSSGDTF